The following is an entry in ClinVar:

ClinVar aggregate classification (germline): Uncertain significance (1 of 4 stars; one submission).

Conditions:
Central core myopathy (CMYO1A). Also called: CONGENITAL MYOPATHY 1A, AUTOSOMAL DOMINANT, WITH SUSCEPTIBILITY TO MALIGNANT HYPERTHERMIA; Central core disease; Myopathy, central fibrillar. Identifiers: Orphanet 597, MedGen C5830701, MONDO:0007294, OMIM 117000.

Allele frequency attached by ClinVar (database versions not stated): TOPMed below 0.00001; gnomAD 0.00001.
gnomAD v4.1: 1 of 1,614,012 alleles (0.000062%); highest among the groups gnomAD compares: Non-Finnish European, 0.000085%; no homozygotes.

Submission:

Neuberg Centre For Genomic Medicine, NCGM
Classification: Uncertain significance for Central core myopathy. Review status: criteria provided, single submitter. Criteria: ACMG Guidelines, 2015. Collection method: clinical testing. Allele origin: germline. Inheritance: Autosomal dominant inheritance. Affected: yes.
Comment: The missense variant in c.14594A>G (p.Asn4865Ser) in RYR1 gene has not been reported previously as a pathogenic variant nor as a benign variant, to our knowledge. The p.Asn4865Ser variant is novel (not in any individuals) in gnomAD Exomes and 1000 Genomes. The amino acid Asn at position 4865 is changed to a Ser changing protein sequence and it might alter its composition and physico-chemical properties. The variant is predicted to be damaging by PolyPhen2 and the residue is conserved across species. The amino acid change p.Asn4865Ser in RYR1 is predicted as conserved by GERP++ and PhyloP across 100 vertebrates. For these reasons, this variant has been classified as Uncertain Significance (VUS). The variant lies within the hotspot region for dominant central core disease (Davis MR et al). Parental testing may help ascertain inheritance pattern.

NM_000540.3(RYR1):c.14594A>G (p.Asn4865Ser)

Gene: RYR1 (ryanodine receptor 1; plus strand). Cytogenetic location: 19q13.2.
Variant type: single nucleotide variant.
Coding change: c.14594A>G on transcript NM_000540.3 (MANE Select); coding-DNA position 14594, A replaced by G.
Protein change: p.Asn4865Ser; replaces asparagine 4865 with serine.
Molecular consequence: missense variant.
Genome position (GRCh38, 1-based): chr19:38,580,452, A>G. VCF-style: chr19-38580452-A-G. GRCh37 (hg19) VCF-style: chr19-39071092-A-G.
Other names: c.14579A>G, p.Asn4860Ser (NM_001042723.2); short protein forms N4860S, N4865S.
Identifiers: ClinVar variation 2585510 (VCV002585510.1), dbSNP rs1974151139, ClinGen allele CA405687870.